The following is an entry in ClinVar:

NC_000016.9:g.(?_8768473)_(8878428_?)del

Gene: ABAT (4-aminobutyrate aminotransferase; plus strand). Cytogenetic location: 16p13.2.
Variant type: Deletion.
Identifiers: ClinVar variation 3339972 (VCV003339972.1).

ClinVar aggregate classification (germline): Pathogenic (1 of 4 stars; one submission).

Conditions:
Gamma-aminobutyric acid transaminase deficiency (GABATD). Also called: GABA aminotransaminase deficiency; GABA transaminase deficiency; Gamma aminobutyrate transaminase deficiency; 4 alpha aminobutyrate transaminase deficiency. Identifiers: Orphanet 2066, MedGen C0342708, MONDO:0013166, OMIM 613163.

Submission:

Women's Health and Genetics/Laboratory Corporation of America, LabCorp
Classification: Pathogenic for Gamma-aminobutyric acid transaminase deficiency. Last evaluated: 2024-06-19. Review status: criteria provided, single submitter. Criteria: LabCorp Variant Classification Summary - May 2015. Collection method: clinical testing. Allele origin: germline.
Comment: Variant summary: The variant involves the deletion of the entire ABAT gene involving exons 1-16. A presumed nomenclature of c.(?_-137)_(*3141_?)del has been designated for the purposes of this classification. This deletion includes the entire coding sequence of the gene. As the exact proximal and distal breakpoints are unknown, it may extend beyond the annotated region of the gene to include other flanking genes. The variant was absent in 21694 control chromosomes. To our knowledge, no occurrence of c.(?_-137)_(*3141_?)del in individuals affected with Gamma-Aminobutyric Acid Transaminase Deficiency and no experimental evidence demonstrating its impact on protein function have been reported. No submitters have cited clinical-significance assessments for this variant to ClinVar. Based on the evidence outlined above, the variant was classified as pathogenic.